The following is an entry in ClinVar:

NM_173630.4(RTTN):c.5461A>G (p.Ser1821Gly)

Genes: RTTN (rotatin; minus strand), LOC126862785 (MED14-independent group 3 enhancer GRCh37_chr18:67714790-67715989; plus strand). Cytogenetic location: 18q22.2.
Variant type: single nucleotide variant.
Coding change: c.5461A>G on transcript NM_173630.4 (MANE Select); coding-DNA position 5461, A replaced by G.
Protein change: p.Ser1821Gly; replaces serine 1821 with glycine.
Molecular consequence: missense variant.
Genome position (GRCh38, 1-based): chr18:70,048,051, T>C on the plus strand (A>G on the coding strand, the complement: RTTN is on the minus strand). VCF-style: chr18-70048051-T-C. GRCh37 (hg19) VCF-style: chr18-67715287-T-C.
Other names: c.2725A>G, p.Ser909Gly (NM_001318520.2); short protein forms S1821G, S909G.
Identifiers: ClinVar variation 2006478 (VCV002006478.4), dbSNP rs2057541789, ClinGen allele CA402690409.

ClinVar aggregate classification (germline): Uncertain significance (1 of 4 stars; one submission).

Submission:

Labcorp Genetics (formerly Invitae), Labcorp
Classification: Uncertain significance. Last evaluated: 2022-09-27. Review status: criteria provided, single submitter. Criteria: Invitae Variant Classification Sherloc (09022015). Collection method: clinical testing. Allele origin: germline.
Comment: This sequence change replaces serine, which is neutral and polar, with glycine, which is neutral and non-polar, at codon 1821 of the RTTN protein (p.Ser1821Gly). This variant is not present in population databases (gnomAD no frequency). This variant has not been reported in the literature in individuals affected with RTTN-related conditions. Advanced modeling of protein sequence and biophysical properties (such as structural, functional, and spatial information, amino acid conservation, physicochemical variation, residue mobility, and thermodynamic stability) performed at Invitae indicates that this missense variant is not expected to disrupt RTTN protein function. In summary, the available evidence is currently insufficient to determine the role of this variant in disease. Therefore, it has been classified as a Variant of Uncertain Significance.